The following is an entry in ClinVar:

ClinVar aggregate classification (germline): Uncertain significance (1 of 4 stars; one submission).

Allele frequency attached by ClinVar (database versions not stated): gnomAD 0.00001.
gnomAD v4.1: 1 of 1,574,350 alleles (0.000064%); highest among the groups gnomAD compares: African/African-American, 0.0014%; no homozygotes.

Submission:

GeneDx
Classification: Uncertain significance. Last evaluated: 2019-11-15. Review status: criteria provided, single submitter. Criteria: GeneDx Variant Classification Process June 2021. Collection method: clinical testing. Allele origin: germline. Affected: yes.
Comment: Not observed at a significant frequency in large population cohorts (Lek et al., 2016); In silico analysis, which includes protein predictors and evolutionary conservation, supports that this variant does not alter protein structure/function; Has not been previously published as pathogenic or benign to our knowledge

NM_001122659.3(EDNRB):c.76G>A (p.Gly26Arg)

Gene: EDNRB (endothelin receptor type B; minus strand). Cytogenetic location: 13q22.3.
Variant type: single nucleotide variant.
Coding change: c.76G>A on transcript NM_001122659.3 (MANE Select); coding-DNA position 76, G replaced by A.
Protein change: p.Gly26Arg; replaces glycine 26 with arginine.
Molecular consequence: missense variant.
Genome position (GRCh38, 1-based): chr13:77,918,498, C>T on the plus strand (G>A on the coding strand, the complement: EDNRB is on the minus strand). VCF-style: chr13-77918498-C-T. GRCh37 (hg19) VCF-style: chr13-78492633-C-T.
Other names: c.76G>A, p.Gly26Arg (NM_000115.5, NM_003991.4); c.346G>A, p.Gly116Arg (NM_001201397.2); short protein forms G116R, G26R.
Identifiers: ClinVar variation 1310248 (VCV001310248.2), dbSNP rs1235599209, ClinGen allele CA388453094.